The following is an entry in ClinVar:

ClinVar aggregate classification (germline): Benign/Likely benign. Review status: criteria provided, single submitter (1 of 4 stars). 2 submissions from 1 submitter: Benign (1); Likely benign (1). Last evaluated 2018-01-13.

Conditions:
Cone-rod dystrophy 16 (CORD16). Identifiers: MedGen C3281045, MONDO:0013786, OMIM 614500.
Retinitis pigmentosa (RP). Identifiers: Orphanet 791, MedGen C0035334, MeSH D012174, MONDO:0019200, OMIM 268000. Inheritance: Autosomal dominant, autosomal recessive and X linked inheritance.

Allele frequency attached by ClinVar (database versions not stated): 1000 Genomes Project 30x 0.01390; gnomAD 0.01164 and 0.01254; 1000 Genomes Project 0.01278; TOPMed 0.01298.

Submissions (2):

Illumina Laboratory Services, Illumina
Classification: Likely benign for Retinitis pigmentosa. Last evaluated: 2018-01-13. Review status: criteria provided, single submitter. Criteria: ICSL Variant Classification Criteria 13 December 2019. Collection method: clinical testing. Allele origin: germline.
Comment: This variant was observed in the ICSL laboratory as part of a predisposition screen in an ostensibly healthy population. It had not been previously curated by ICSL or reported in the Human Gene Mutation Database (HGMD: prior to June 1st, 2018), and was therefore a candidate for classification through an automated scoring system. Utilizing variant allele frequency, disease prevalence and penetrance estimates, and inheritance mode, an automated score was calculated to assess if this variant is too frequent to cause the disease. Based on the score and internal cut-off values, a variant classified as likely benign is not then subjected to further curation. The score for this variant resulted in a classification of likely benign for this disease.

Illumina Laboratory Services, Illumina
Classification: Benign for Cone-rod dystrophy 16. Last evaluated: 2018-01-13. Review status: criteria provided, single submitter. Criteria: ICSL Variant Classification Criteria 13 December 2019. Collection method: clinical testing. Allele origin: germline.
Comment: This variant was observed in the ICSL laboratory as part of a predisposition screen in an ostensibly healthy population. It had not been previously curated by ICSL or reported in the Human Gene Mutation Database (HGMD: prior to June 1st, 2018), and was therefore a candidate for classification through an automated scoring system. Utilizing variant allele frequency, disease prevalence and penetrance estimates, and inheritance mode, an automated score was calculated to assess if this variant is too frequent to cause the disease. Based on the score and internal cut-off values, a variant classified as benign is not then subjected to further curation. The score for this variant resulted in a classification of benign for this disease.

NM_177965.4(CFAP418):c.*2419T>A

Gene: CFAP418 (cilia and flagella associated protein 418; minus strand). Cytogenetic location: 8q22.1.
Variant type: single nucleotide variant.
Coding change: c.*2419T>A on transcript NM_177965.4 (MANE Select); 2419 bases downstream of the stop codon, T replaced by A.
Molecular consequence: 3 prime UTR variant.
Genome position (GRCh38, 1-based): chr8:95,245,198, A>T on the plus strand (T>A on the coding strand, the complement: CFAP418 is on the minus strand). VCF-style: chr8-95245198-A-T. GRCh37 (hg19) VCF-style: chr8-96257426-A-T.
Other names: c.*2419T>A (NM_001363260.1).
Identifiers: ClinVar variation 363982 (VCV000363982.5), dbSNP rs74748655, ClinGen allele CA10628414.